The following is an entry in ClinVar:

ClinVar aggregate classification (germline): Uncertain significance (1 of 4 stars; one submission).

Conditions:
Primary ciliary dyskinesia. Also called: Ciliary dyskinesia. Identifiers: Orphanet 244, MedGen C0008780, MONDO:0016575, HP:0012265.

Submission:

Labcorp Genetics (formerly Invitae), Labcorp
Classification: Uncertain significance for Primary ciliary dyskinesia. Last evaluated: 2021-10-02. Review status: criteria provided, single submitter. Criteria: Invitae Variant Classification Sherloc (09022015). Collection method: clinical testing. Allele origin: germline.
Comment: This sequence change falls in intron 91 of the DNAH8 gene. It does not directly change the encoded amino acid sequence of the DNAH8 protein. It affects a nucleotide within the consensus splice site of the intron. In summary, the available evidence is currently insufficient to determine the role of this variant in disease. Therefore, it has been classified as a Variant of Uncertain Significance. Variants that disrupt the consensus splice site are a relatively common cause of aberrant splicing (PMID: 17576681, 9536098). Algorithms developed to predict the effect of sequence changes on RNA splicing suggest that this variant is not likely to affect RNA splicing. This variant has not been reported in the literature in individuals affected with DNAH8-related conditions. This variant is not present in population databases (ExAC no frequency).

Literature cited by the submitters: PubMed 17576681; PubMed 9536098.

NM_001206927.2(DNAH8):c.13714+4T>C

Gene: DNAH8 (dynein axonemal heavy chain 8; plus strand). Cytogenetic location: 6p21.2.
Variant type: single nucleotide variant.
Coding change: c.13714+4T>C on transcript NM_001206927.2 (MANE Select); 4 bases into the intron after coding-DNA position 13714, T replaced by C.
Molecular consequence: intron variant.
Genome position (GRCh38, 1-based): chr6:39,012,641, T>C. VCF-style: chr6-39012641-T-C. GRCh37 (hg19) VCF-style: chr6-38980417-T-C.
Other names: c.13063+4T>C (NM_001371.4).
Identifiers: ClinVar variation 1420257 (VCV001420257.6), dbSNP rs2150773744, ClinGen allele CA2573140868.
Genomic context (GRCh38, chr6:39,012,641, plus strand): 5'-GGATATTTGAAGGGAGGCCTAATGTGTTTTGGATGACTGGTTTCTTTAATCCCCAAGGTA[T>C]GTGCTCATAGGAGATTTGGCAAGCTTGGAATTTGTGTATTGTTGGATAGTAGCATCGTGT-3'